The following is an entry in ClinVar:

ClinVar aggregate classification (germline): Uncertain significance. Review status: criteria provided, multiple submitters, no conflicts (2 of 4 stars). 2 submissions from 2 submitters: Uncertain significance (2). Last evaluated 2022-06-05.

Conditions:
Retinitis pigmentosa 25 (RP25). Identifiers: Orphanet 791, MedGen C1864446, MONDO:0011272, OMIM 602772.

Submissions (2):

Labcorp Genetics (formerly Invitae), Labcorp
Classification: Uncertain significance. Last evaluated: 2022-06-05. Review status: criteria provided, single submitter. Criteria: Invitae Variant Classification Sherloc (09022015). Collection method: clinical testing. Allele origin: germline.
Comment: This sequence change replaces tryptophan, which is neutral and slightly polar, with arginine, which is basic and polar, at codon 304 of the EYS protein (p.Trp304Arg). This variant is not present in population databases (gnomAD no frequency). This variant has not been reported in the literature in individuals affected with EYS-related conditions. ClinVar contains an entry for this variant (Variation ID: 1213995). Algorithms developed to predict the effect of missense changes on protein structure and function are either unavailable or do not agree on the potential impact of this missense change (SIFT: "Tolerated"; PolyPhen-2: "Probably Damaging"; Align-GVGD: "Class C0"). In summary, the available evidence is currently insufficient to determine the role of this variant in disease. Therefore, it has been classified as a Variant of Uncertain Significance.

DBGen Ocular Genomics
Classification: Uncertain significance for Retinitis pigmentosa 25. Last evaluated: 2021-06-11. Review status: criteria provided, single submitter. Criteria: ACMG Guidelines, 2015. Collection method: clinical testing. Allele origin: germline. Affected: yes. Observed: 1 variant allele.

NM_001142800.2(EYS):c.910T>C (p.Trp304Arg)

Gene: EYS (EGF-like photoreceptor maintenance factor; minus strand). Cytogenetic location: 6q12.
Variant type: single nucleotide variant.
Coding change: c.910T>C on transcript NM_001142800.2 (MANE Select); coding-DNA position 910, T replaced by C.
Protein change: p.Trp304Arg; replaces tryptophan 304 with arginine.
Molecular consequence: missense variant.
Genome position (GRCh38, 1-based): chr6:65,405,320, A>G on the plus strand (T>C on the coding strand, the complement: EYS is on the minus strand). VCF-style: chr6-65405320-A-G. GRCh37 (hg19) VCF-style: chr6-66115213-A-G.
Other names: c.910T>C, p.Trp304Arg (NM_001142801.2, NM_001292009.2, NM_198283.2); short protein forms W304R.
Identifiers: ClinVar variation 1213995 (VCV001213995.8), dbSNP rs2150365572, ClinGen allele CA364662869.